The following is an entry in ClinVar:

NM_000540.3(RYR1):c.12695T>C (p.Leu4232Pro)

Gene: RYR1 (ryanodine receptor 1; plus strand). Cytogenetic location: 19q13.2.
Variant type: single nucleotide variant.
Coding change: c.12695T>C on transcript NM_000540.3 (MANE Select); coding-DNA position 12695, T replaced by C.
Protein change: p.Leu4232Pro; replaces leucine 4232 with proline.
Molecular consequence: missense variant.
Genome position (GRCh38, 1-based): chr19:38,565,029, T>C. VCF-style: chr19-38565029-T-C. GRCh37 (hg19) VCF-style: chr19-39055669-T-C.
Other names: c.12680T>C, p.Leu4227Pro (NM_001042723.2); short protein forms L4227P, L4232P.
Identifiers: ClinVar variation 1928406 (VCV001928406.5), dbSNP rs2514674257, ClinGen allele CA405670943.
Genomic context (GRCh38, chr19:38,565,029, plus strand): 5'-CCAAGCGCCAGTTCATCTTCGACGTGGTGAACGAGGGCGGCGAGGCTGAGAAGATGGAGC[T>C]CTTCGTGAGTTTCTGCGAGGACACCATCTTCGAGATGCAGATCGCCGCGCAGATCTCGGA-3'
Protein context (NP_000531.2, residues 4222-4242): NEGGEAEKME[Leu4232Pro]FVSFCEDTIF

ClinVar aggregate classification (germline): Uncertain significance (1 of 4 stars; one submission).

Conditions:
RYR1-related disorder. Also called: RYR1-related condition; RYR1-related disorders. Identifiers: MedGen CN239331.

Submission:

Labcorp Genetics (formerly Invitae), Labcorp
Classification: Uncertain significance for RYR1-related disorder. Last evaluated: 2024-10-03. Review status: criteria provided, single submitter. Criteria: Invitae Variant Classification Sherloc (09022015). Collection method: clinical testing. Allele origin: germline.
Comment: This sequence change replaces leucine, which is neutral and non-polar, with proline, which is neutral and non-polar, at codon 4232 of the RYR1 protein (p.Leu4232Pro). This variant is not present in population databases (gnomAD no frequency). This variant has not been reported in the literature in individuals affected with RYR1-related conditions. ClinVar contains an entry for this variant (Variation ID: 1928406). Invitae Evidence Modeling of protein sequence and biophysical properties (such as structural, functional, and spatial information, amino acid conservation, physicochemical variation, residue mobility, and thermodynamic stability) indicates that this missense variant is not expected to disrupt RYR1 protein function with a negative predictive value of 80%. In summary, the available evidence is currently insufficient to determine the role of this variant in disease. Therefore, it has been classified as a Variant of Uncertain Significance.